The following is an entry in ClinVar:

ClinVar aggregate classification (germline): Conflicting classifications of pathogenicity. Review status: criteria provided, conflicting classifications (1 of 4 stars). 3 submissions from 3 submitters: Uncertain significance (2); Benign (1). Last evaluated 2025-05-19.

Conditions:
Colorectal cancer, hereditary nonpolyposis, type 7. Identifiers: Orphanet 144, MedGen C1858380, MONDO:0013725, OMIM 614385.
Ovarian cancer. Also called: OVARIAN CANCER, SOMATIC. Identifiers: Orphanet 213500, MedGen C1140680, MONDO:0008170, OMIM 167000.

gnomAD v4.1: 3 of 1,614,060 alleles (0.00019%); highest among the groups gnomAD compares: East Asian, 0.0045%; no homozygotes.

Submissions (3):

Labcorp Genetics (formerly Invitae), Labcorp
Classification: Uncertain significance for Colorectal cancer, hereditary nonpolyposis, type 7. Last evaluated: 2025-05-19. Review status: criteria provided, single submitter. Criteria: Invitae Variant Classification Sherloc (09022015). Collection method: clinical testing. Allele origin: germline.
Comment: This sequence change replaces serine, which is neutral and polar, with asparagine, which is neutral and polar, at codon 451 of the MLH3 protein (p.Ser451Asn). This variant is not present in population databases (gnomAD no frequency). This variant has not been reported in the literature in individuals affected with MLH3-related conditions. ClinVar contains an entry for this variant (Variation ID: 1054547). An algorithm developed to predict the effect of missense changes on protein structure and function outputs the following: PolyPhen-2: "Benign". The asparagine amino acid residue is found in multiple mammalian species, which suggests that this missense change does not adversely affect protein function. In summary, the available evidence is currently insufficient to determine the role of this variant in disease. Therefore, it has been classified as a Variant of Uncertain Significance.

Ambry Genetics
Classification: Uncertain significance. Last evaluated: 2024-07-05. Review status: criteria provided, single submitter. Criteria: Ambry Variant Classification Scheme 2023. Collection method: clinical testing. Allele origin: germline.
Comment: The p.S451N variant (also known as c.1352G>A), located in coding exon 1 of the MLH3 gene, results from a G to A substitution at nucleotide position 1352. The serine at codon 451 is replaced by asparagine, an amino acid with highly similar properties. This amino acid position is poorly conserved in available vertebrate species. In addition, this alteration is predicted to be tolerated by in silico analysis. The evidence for this gene-disease relationship is limited; therefore, the clinical significance of this alteration is unclear.

Laboratory of Molecular Epidemiology of Birth Defects, West China Second University Hospital, Sichuan University
Classification: Benign for Ovarian cancer. Last evaluated: 2022-01-01. Review status: criteria provided, single submitter. Criteria: ACMG Guidelines, 2015. Collection method: clinical testing. Allele origin: germline. Affected: yes.

NM_001040108.2(MLH3):c.1352G>A (p.Ser451Asn)

Gene: MLH3 (mutL homolog 3; minus strand). Cytogenetic location: 14q24.3.
Variant type: single nucleotide variant.
Coding change: c.1352G>A on transcript NM_001040108.2 (MANE Select); coding-DNA position 1352, G replaced by A.
Protein change: p.Ser451Asn; replaces serine 451 with asparagine.
Molecular consequence: missense variant.
Genome position (GRCh38, 1-based): chr14:75,048,304, C>T on the plus strand (G>A on the coding strand, the complement: MLH3 is on the minus strand). VCF-style: chr14-75048304-C-T. GRCh37 (hg19) VCF-style: chr14-75515007-C-T.
Other names: c.1352G>A, p.Ser451Asn (NM_014381.3); c.1352G>A (NM_014381.2, NM_001040108.1); short protein forms S451N.
Identifiers: ClinVar variation 1054547 (VCV001054547.9), dbSNP rs1566607594, ClinGen allele CA390446290.